The following is an entry in ClinVar:

NM_182914.3(SYNE2):c.7221G>C (p.Lys2407Asn)

Gene: SYNE2 (spectrin repeat containing nuclear envelope protein 2; plus strand). Cytogenetic location: 14q23.2.
Variant type: single nucleotide variant.
Coding change: c.7221G>C on transcript NM_182914.3 (MANE Select); coding-DNA position 7221, G replaced by C.
Protein change: p.Lys2407Asn; replaces lysine 2407 with asparagine.
Molecular consequence: missense variant.
Genome position (GRCh38, 1-based): chr14:64,031,357, G>C. VCF-style: chr14-64031357-G-C. GRCh37 (hg19) VCF-style: chr14-64498075-G-C.
Other names: c.7221G>C, p.Lys2407Asn (NM_015180.6); short protein forms K2407N.
Identifiers: ClinVar variation 3695733 (VCV003695733.2).

ClinVar aggregate classification (germline): Uncertain significance (1 of 4 stars; one submission).

Conditions:
Emery-Dreifuss muscular dystrophy 5, autosomal dominant (EDMD5). Also called: EMERY-DREIFUSS MUSCULAR DYSTROPHY 5. Identifiers: Orphanet 261, MedGen C2751805, MONDO:0013072, OMIM 612999.

gnomAD v4.1: 11 of 1,613,592 alleles (0.00068%); highest among the groups gnomAD compares: Non-Finnish European, 0.00093%; no homozygotes.

Submission:

Labcorp Genetics (formerly Invitae), Labcorp
Classification: Uncertain significance for Emery-Dreifuss muscular dystrophy 5, autosomal dominant. Last evaluated: 2024-04-15. Review status: criteria provided, single submitter. Criteria: Invitae Variant Classification Sherloc (09022015). Collection method: clinical testing. Allele origin: germline.
Comment: This sequence change replaces lysine, which is basic and polar, with asparagine, which is neutral and polar, at codon 2407 of the SYNE2 protein (p.Lys2407Asn). This variant also falls at the last nucleotide of exon 45, which is part of the consensus splice site for this exon. This variant is not present in population databases (gnomAD no frequency). This variant has not been reported in the literature in individuals affected with SYNE2-related conditions. An algorithm developed to predict the effect of missense changes on protein structure and function (PolyPhen-2) suggests that this variant is likely to be tolerated. Variants that disrupt the consensus splice site are a relatively common cause of aberrant splicing (PMID: 17576681, 9536098). In summary, the available evidence is currently insufficient to determine the role of this variant in disease. Therefore, it has been classified as a Variant of Uncertain Significance.

Literature cited by the submitters: PubMed 17576681; PubMed 9536098.